The following is an entry in ClinVar:

NM_001458.5(FLNC):c.196G>T (p.Asp66Tyr)

Gene: FLNC (filamin C; plus strand). Cytogenetic location: 7q32.1.
Variant type: single nucleotide variant.
Coding change: c.196G>T on transcript NM_001458.5 (MANE Select); coding-DNA position 196, G replaced by T.
Protein change: p.Asp66Tyr; replaces aspartic acid 66 with tyrosine.
Molecular consequence: missense variant.
Genome position (GRCh38, 1-based): chr7:128,830,833, G>T. VCF-style: chr7-128830833-G-T. GRCh37 (hg19) VCF-style: chr7-128470887-G-T.
Other names: c.196G>T, p.Asp66Tyr (NM_001127487.2); short protein forms D66Y.
Identifiers: ClinVar variation 1311249 (VCV001311249.9), dbSNP rs1373245749, ClinGen allele CA369216280.

ClinVar aggregate classification (germline): Uncertain significance. Review status: criteria provided, multiple submitters, no conflicts (2 of 4 stars). 4 submissions from 4 submitters: Uncertain significance (4). Last evaluated 2026-04-21.

Conditions:
Cardiovascular phenotype. Identifiers: MedGen CN230736.
Hypertrophic cardiomyopathy 26. Also called: Cardiomyopathy, familial hypertrophic, 26. Identifiers: Orphanet 75249, MedGen C4310749, MONDO:0014883, OMIM 617047.
Distal myopathy with posterior leg and anterior hand involvement. Also called: WILLIAMS DISTAL MYOPATHY. Identifiers: Orphanet 63273, MedGen C3279722, MONDO:0013550, OMIM 614065.
Myofibrillar myopathy 5. Also called: Filaminopathy (type); FILAMINOPATHY, AUTOSOMAL DOMINANT. Identifiers: Orphanet 171445, MedGen C1836050, MONDO:0012289, OMIM 609524.

Allele frequency attached by ClinVar (database versions not stated): gnomAD 0.00001.
gnomAD v4.1: 1 of 1,612,976 alleles (0.000062%); highest among the groups gnomAD compares: Non-Finnish European, 0.000085%; no homozygotes.

Submissions (4):

Victorian Clinical Genetics Services, Murdoch Childrens Research Institute
Classification: Uncertain significance for Hypertrophic cardiomyopathy 26. Last evaluated: 2026-04-21. Review status: criteria provided, single submitter. Criteria: ACMG Guidelines, 2015. Collection method: clinical testing. Allele origin: germline. Affected: yes.
Comment: This variant is classified as VUS-3B. Evidence in support of pathogenic classification: Variant is present in gnomAD <0.001 for a dominant condition (v4: 1 heterozygote(s), 0 homozygote(s)); Missense variant predicted to be damaging by in silico tool(s) or highly conserved with a major amino acid change. Additional information: Variant is predicted to result in a missense amino acid change from Asp to Tyr; This variant is heterozygous; This gene is associated with autosomal dominant disease. Variants located throughout the gene that are predicted to result in nonsense-mediated decay (NMD) are enriched in dilated cardiomyopathy, whereas missense variants in the ROD2 domain are enriched in familial hypertrophic cardiomyopathy 26 and familial restrictive cardiomyopathy 5 (MIM#617047). Additionally, myofibrillar myopathy 5 (MIM#609524) is known to result from either missense variants in the ROD2 domain or truncating variants in the Ig-like domain 24, while missense variants in the actin-binding domain and NMD-predicted variants located in the Ig-like domain 15 and have been reported for distal myopathy 4 (MIM#614065) (PMID: 32112656); Alternative amino acid change(s) at the same position are present in gnomAD (highest allele count: v4: 1 heterozygote(s), 0 homozygote(s)); Previous evidence of pathogenicity for this variant is inconclusive. It has been classified as VUS by clinical laboratories in ClinVar and detected in an individual with dilated cardiomyopathy (VCGS cohort); No published evidence of segregation with disease has been identified for this variant; No published functional evidence has been identified for this variant; Other variant missense comparable to the one identified in this case have inconclusive previous evidence for pathogenicity. p.(Asp66Ala), p.(Asp66Gly) and p.(Asp66Glu) have been classified as VUS by clinical laboratories in ClinVar; Variant is located in the annotated calponin homology (CH) domain (DECIPHER); Loss of function and gain of function are known mechanisms of disease in this gene. Loss of function is the established mechanism of disease for variants in dilated cardiomyopathy (PMID: 32112656), familial hypertrophic cardiomyopathy 26 (MIM#617047), familial restrictive cardiomyopathy 5 (MIM#617047), familial arrhythmogenic right ventricular dysplasia (MIM#617047), and myofibrillar myopathy 5 (MIM#609524). In distal myopathy 4 (MIM#614065), NMD-predicted variants cause a loss of function, however missense variants have been shown to result in a toxic gain of function (PMID: 32112656); Inheritance information for this variant is not currently available in this individual.

Labcorp Genetics (formerly Invitae), Labcorp
Classification: Uncertain significance for Distal myopathy with posterior leg and anterior hand involvement; Myofibrillar myopathy 5; Hypertrophic cardiomyopathy 26. Last evaluated: 2025-11-02. Review status: criteria provided, single submitter. Criteria: Invitae Variant Classification Sherloc (09022015). Collection method: clinical testing. Allele origin: germline.
Comment: This sequence change replaces aspartic acid, which is acidic and polar, with tyrosine, which is neutral and polar, at codon 66 of the FLNC protein (p.Asp66Tyr). This variant is present in population databases (no rsID available, gnomAD 0.007%). This variant has not been reported in the literature in individuals affected with FLNC-related conditions. ClinVar contains an entry for this variant (Variation ID: 1311249). Invitae Evidence Modeling of protein sequence and biophysical properties (such as structural, functional, and spatial information, amino acid conservation, physicochemical variation, residue mobility, and thermodynamic stability) has been performed for this missense variant. However, the output from this modeling did not meet the statistical confidence thresholds required to predict the impact of this variant on FLNC protein function. In summary, the available evidence is currently insufficient to determine the role of this variant in disease. Therefore, it has been classified as a Variant of Uncertain Significance.

Ambry Genetics
Classification: Uncertain significance for Cardiovascular phenotype. Last evaluated: 2022-02-07. Review status: criteria provided, single submitter. Criteria: Ambry Variant Classification Scheme 2023. Collection method: clinical testing. Allele origin: germline.
Comment: The p.D66Y variant (also known as c.196G>T), located in coding exon 1 of the FLNC gene, results from a G to T substitution at nucleotide position 196. The aspartic acid at codon 66 is replaced by tyrosine, an amino acid with highly dissimilar properties. This amino acid position is conserved. In addition, this alteration is predicted to be deleterious by in silico analysis. Since supporting evidence is limited at this time, the clinical significance of this alteration remains unclear.

GeneDx
Classification: Uncertain significance. Last evaluated: 2019-12-13. Review status: criteria provided, single submitter. Criteria: GeneDx Variant Classification Process June 2021. Collection method: clinical testing. Allele origin: germline. Affected: yes.
Comment: Has not been previously published as pathogenic or benign to our knowledge; Not observed at a significant frequency in large population cohorts (Lek et al., 2016); In silico analysis, which includes protein predictors and evolutionary conservation, supports a deleterious effect

Literature cited by the submitters: PubMed 32112656 (cited by Victorian Clinical Genetics Services, Murdoch Childrens Research Institute).